The following is an entry in ClinVar:

ClinVar aggregate classification (germline): Uncertain significance (1 of 4 stars; one submission).

Submission:

GeneDx
Classification: Uncertain significance. Last evaluated: 2024-11-21. Review status: criteria provided, single submitter. Criteria: GeneDx Variant Classification Process June 2021. Collection method: clinical testing. Allele origin: germline. Affected: yes.
Comment: Not observed at significant frequency in large population cohorts (gnomAD); In silico analysis indicates that this missense variant does not alter protein structure/function; Has not been previously published as pathogenic or benign to our knowledge

NM_021964.3(ZNF148):c.1413G>C (p.Leu471Phe)

Gene: ZNF148 (zinc finger protein 148; minus strand). Cytogenetic location: 3q21.2.
Variant type: single nucleotide variant.
Coding change: c.1413G>C on transcript NM_021964.3 (MANE Select); coding-DNA position 1413, G replaced by C.
Protein change: p.Leu471Phe; replaces leucine 471 with phenylalanine.
Molecular consequence: missense variant.
Genome position (GRCh38, 1-based): chr3:125,233,313, C>G on the plus strand (G>C on the coding strand, the complement: ZNF148 is on the minus strand). VCF-style: chr3-125233313-C-G. GRCh37 (hg19) VCF-style: chr3-124952157-C-G.
Other names: c.1413G>C, p.Leu471Phe (NM_001348424.1, NM_001348425.2, NM_001348426.2 and 7 more transcripts); c.1287G>C, p.Leu429Phe (NM_001348434.2); short protein forms L429F, L471F.
Identifiers: ClinVar variation 3900105 (VCV003900105.1).